The following is an entry in ClinVar:

NM_000426.4(LAMA2):c.3235T>A (p.Cys1079Ser)

Gene: LAMA2 (laminin subunit alpha 2; plus strand). Cytogenetic location: 6q22.33.
Variant type: single nucleotide variant.
Coding change: c.3235T>A on transcript NM_000426.4 (MANE Select); coding-DNA position 3235, T replaced by A.
Protein change: p.Cys1079Ser; replaces cysteine 1079 with serine.
Molecular consequence: missense variant.
Genome position (GRCh38, 1-based): chr6:129,312,921, T>A. VCF-style: chr6-129312921-T-A. GRCh37 (hg19) VCF-style: chr6-129634066-T-A.
Other names: c.3235T>A, p.Cys1079Ser (NM_001079823.2); short protein forms C1079S.
Identifiers: ClinVar variation 4855182 (VCV004855182.1).

ClinVar aggregate classification (germline): Uncertain significance (1 of 4 stars; one submission).

Conditions:
LAMA2-related disorder. Also called: LAMA2-related disorders; LAMA2-related condition.

Submission:

3billion
Classification: Uncertain significance for LAMA2-related disorder. Last evaluated: 2025-12-01. Review status: criteria provided, single submitter. Criteria: ACMG Guidelines, 2015. Collection method: clinical testing. Allele origin: germline. Affected: yes.
Comment: The variant is not observed in the gnomAD v4.1.0 dataset. Predicted Consequence/Location: Missense variant. The majority of the known disease-causing variants of this gene are variants expected to result in premature termination of the protein. In silico tool prediction suggests damaging effect of the variant on gene or gene product [REVEL: 0.95 (>=0.6, sensitivity 0.68 and specificity 0.92)]. Different missense changes at the same codon (p.Cys1079Arg, p.Cys1079Gly) have been reported to be associated with LAMA2-related disorder (ClinVar ID: VCV000802261 /PMID: 27858771, 32528171). Therefore, this variant is classified as VUS according to the recommendation of ACMG/AMP guideline.

Literature cited by the submitters: PubMed 27858771.